The following is an entry in ClinVar:

ClinVar aggregate classification (germline): Pathogenic (1 of 4 stars; one submission).

Submission:

GeneDx
Classification: Pathogenic. Last evaluated: 2017-02-06. Review status: criteria provided, single submitter. Criteria: GeneDx Variant Classification (06012015). Collection method: clinical testing. Allele origin: germline. Affected: yes.
Comment: The c.2810delC variant in the ASXL1 gene has not been reported previously as a pathogenic variant nor as a benign variant, to our knowledge. The c.2810delC variant causes a frameshift starting with codon Proline 937, changes this amino acid to a Leucine residue, and creates a premature Stop codon at position 8 of the new reading frame, denoted p.Pro937LeufsX8. This variant is predicted to cause loss of normal protein function through protein truncation; it causes the deletion of the last 605 amino acids and an insertion of seven incorrect amino acids. Protein truncating variants downstream of this variant have been reported in the Human Gene Mutation Database in association with Bohring-Opitz syndrome (Stenson et al., 2014), supporting the pathogenicity of more upstream truncating variants. The c.2810delC variant is not observed in large population cohorts (Lek et al., 2016; 1000 Genomes Consortium et al., 2015; Exome Variant Server). We interpret c.2810delC as a pathogenic variant.

NM_015338.6(ASXL1):c.2810del (p.Pro937fs)

Gene: ASXL1 (ASXL transcriptional regulator 1; plus strand). Cytogenetic location: 20q11.21.
Variant type: Deletion.
Coding change: c.2810del on transcript NM_015338.6 (MANE Select); coding-DNA position 2810, one base deleted (C; older notation c.2810delC).
Protein change: p.Pro937fs; shifts the reading frame from proline 937.
Molecular consequence: frameshift variant.
Genome position (GRCh38, 1-based): chr20:32,435,522, C deleted; the last of 4 consecutive C bases (chr20:32,435,519-32,435,522); deleting any one gives the same sequence. VCF-style (leftmost placement, unchanged base first): chr20-32435518-AC-A. GRCh37 (hg19) VCF-style: chr20-31023321-AC-A.
Other names: c.2810delC (NM_015338.5); c.2627del, p.Pro876fs (NM_001363734.1); short protein forms P876fs, P937fs.
Identifiers: ClinVar variation 419609 (VCV000419609.2), dbSNP rs1064793988, ClinGen allele CA16620923.